The following is an entry in ClinVar:

ClinVar aggregate classification (germline): Uncertain significance (1 of 4 stars; one submission).

Conditions:
Idiopathic generalized epilepsy. Also called: Generalised epilepsy; EIG. Identifiers: MedGen C0270850, MONDO:0005579, OMIM 600669.
Hyperaldosteronism, familial, type IV (HALD4). Also called: FH IV; ALDOSTERONISM, PRIMARY, AND HYPERTENSION. Identifiers: Orphanet 642671, MedGen C4310756, MONDO:0014875, OMIM 617027.

Submission:

Labcorp Genetics (formerly Invitae), Labcorp
Classification: Uncertain significance for Idiopathic generalized epilepsy; Hyperaldosteronism, familial, type IV. Last evaluated: 2022-06-15. Review status: criteria provided, single submitter. Criteria: Invitae Variant Classification Sherloc (09022015). Collection method: clinical testing. Allele origin: germline.
Comment: In summary, the available evidence is currently insufficient to determine the role of this variant in disease. Therefore, it has been classified as a Variant of Uncertain Significance. Advanced modeling of protein sequence and biophysical properties (such as structural, functional, and spatial information, amino acid conservation, physicochemical variation, residue mobility, and thermodynamic stability) performed at Invitae indicates that this missense variant is not expected to disrupt CACNA1H protein function. This variant has not been reported in the literature in individuals affected with CACNA1H-related conditions. This variant is not present in population databases (gnomAD no frequency). This sequence change replaces valine, which is neutral and non-polar, with isoleucine, which is neutral and non-polar, at codon 664 of the CACNA1H protein (p.Val664Ile).

NM_021098.3(CACNA1H):c.1990G>A (p.Val664Ile)

Gene: CACNA1H (calcium voltage-gated channel subunit alpha1 H; plus strand). Cytogenetic location: 16p13.3.
Variant type: single nucleotide variant.
Coding change: c.1990G>A on transcript NM_021098.3 (MANE Select); coding-DNA position 1990, G replaced by A.
Protein change: p.Val664Ile; replaces valine 664 with isoleucine.
Molecular consequence: missense variant.
Genome position (GRCh38, 1-based): chr16:1,202,440, G>A. VCF-style: chr16-1202440-G-A. GRCh37 (hg19) VCF-style: chr16-1252440-G-A.
Other names: c.1990G>A, p.Val664Ile (NM_001005407.2); short protein forms V664I.
Identifiers: ClinVar variation 2007324 (VCV002007324.4), dbSNP rs2141263366, ClinGen allele CA394164086.